The following is an entry in ClinVar:

ClinVar aggregate classification (germline): Uncertain significance (1 of 4 stars; one submission).

Conditions:
Familial intrahepatic cholestasis. Identifiers: Orphanet 284385, MedGen CN296401, MONDO:0017290.

Submission:

Genomenon, Inc
Classification: Uncertain significance for Familial intrahepatic cholestasis. Last evaluated: 2026-04-14. Review status: criteria provided, single submitter. Criteria: Genomenon Sequence Variant Interpretation Standards - Updated. Collection method: curation. Allele origin: germline. Affected: no.
Comment: ABCB11 p.Asn116Ser (c.347A>G) is a missense variant that changes the amino acid at residue 116 from Asparagine to Serine. This variant has been reported in the published literature (PMID:37208429). It is absent or not present at a significant frequency in gnomAD. In conclusion, we classify ABCB11 p.Asn116Ser (c.347A>G) as a variant of uncertain significance.

Literature cited by the submitters: PubMed 37208429.

NM_003742.4(ABCB11):c.347A>G (p.Asn116Ser)

Gene: ABCB11 (ATP binding cassette subfamily B member 11; minus strand). Cytogenetic location: 2q31.1.
Variant type: single nucleotide variant.
Coding change: c.347A>G on transcript NM_003742.4 (MANE Select); coding-DNA position 347, A replaced by G.
Protein change: p.Asn116Ser; replaces asparagine 116 with serine.
Molecular consequence: missense variant.
Genome position (GRCh38, 1-based): chr2:169,013,314, T>C on the plus strand (A>G on the coding strand, the complement: ABCB11 is on the minus strand). VCF-style: chr2-169013314-T-C. GRCh37 (hg19) VCF-style: chr2-169869824-T-C.
Other names: short protein forms N116S.
Identifiers: ClinVar variation 4846110 (VCV004846110.1).